The following is an entry in ClinVar:

ClinVar aggregate classification (germline): Likely benign. Review status: criteria provided, multiple submitters, no conflicts (2 of 4 stars). 2 submissions from 2 submitters: Likely benign (2). Last evaluated 2025-02-16.

Allele frequency attached by ClinVar (database versions not stated): ESP Exome Variant Server 0.00008; ExAC 0.00012; gnomAD exomes 0.00012; gnomAD 0.00013.

Submissions (2):

Laboratory of Genetics, Children's Clinical University Hospital Latvia
Classification: Likely benign. Last evaluated: 2025-02-16. Review status: criteria provided, single submitter. Criteria: ACMG Guidelines, 2015. Collection method: clinical testing. Allele origin: germline. Affected: yes.

CeGaT Center for Human Genetics Tuebingen
Classification: Likely benign. Last evaluated: 2023-07-01. Review status: criteria provided, single submitter. Criteria: CeGaT Center For Human Genetics Tuebingen Variant Classification Criteria Version 2. Collection method: clinical testing. Allele origin: germline. Affected: yes. Observed: 1 variant allele.
Comment: SATB1: BP4, BS1

NM_002971.6(SATB1):c.640-6A>G

Gene: SATB1 (SATB homeobox 1; minus strand). Cytogenetic location: 3p24.3.
Variant type: single nucleotide variant.
Coding change: c.640-6A>G on transcript NM_002971.6 (MANE Select); 6 bases into the intron before coding-DNA position 640, A replaced by G.
Molecular consequence: intron variant.
Genome position (GRCh38, 1-based): chr3:18,397,296, T>C on the plus strand (A>G on the coding strand, the complement: SATB1 is on the minus strand). VCF-style: chr3-18397296-T-C. GRCh37 (hg19) VCF-style: chr3-18438788-T-C.
Other names: c.640-6A>G (NM_001322874.2, NM_001322872.2, NM_001322873.2 and 4 more transcripts); c.424-6A>G (NM_001322876.2).
Identifiers: ClinVar variation 2653617 (VCV002653617.25), dbSNP rs367844695, ClinGen allele CA2282168.